The following is an entry in ClinVar:

ClinVar aggregate classification (germline): Likely benign (1 of 4 stars; one submission).

Allele frequency attached by ClinVar (database versions not stated): 1000 Genomes Project 30x 0.00078; 1000 Genomes Project 0.00100; TOPMed 0.00410; ExAC 0.00445; ESP Exome Variant Server 0.00542.
gnomAD v4.1: 10,064 of 1,614,188 alleles (0.62%); highest among the groups gnomAD compares: Non-Finnish European, 0.79%; 44 homozygotes.

Submission:

CeGaT Center for Human Genetics Tuebingen
Classification: Likely benign. Last evaluated: 2022-08-01. Review status: criteria provided, single submitter. Criteria: CeGaT Center For Human Genetics Tuebingen Variant Classification Criteria Version 2. Collection method: clinical testing. Allele origin: germline. Affected: yes. Observed: 1 variant allele.
Comment: MINDY4: BP4, BP7

NM_032222.3(MINDY4):c.144A>G (p.Arg48=)

Genes: INMT-MINDY4 (INMT-MINDY4 readthrough (NMD candidate); plus strand), MINDY4 (MINDY lysine 48 deubiquitinase 4; plus strand). Cytogenetic location: 7p14.3.
Variant type: single nucleotide variant.
Coding change: c.144A>G on transcript NM_032222.3 (MANE Select); coding-DNA position 144, A replaced by G.
Protein change: p.Arg48=; no amino-acid change (arginine 48 retained).
Molecular consequence: synonymous variant. On other transcripts: non-coding transcript variant (1).
Genome position (GRCh38, 1-based): chr7:30,778,512, A>G. VCF-style: chr7-30778512-A-G. GRCh37 (hg19) VCF-style: chr7-30818128-A-G.
Identifiers: ClinVar variation 2657374 (VCV002657374.24), dbSNP rs200053449, ClinGen allele CA4207136.